The following is an entry in ClinVar:

ClinVar aggregate classification (germline): Uncertain significance. Review status: criteria provided, multiple submitters, no conflicts (2 of 4 stars). 3 submissions from 3 submitters: Uncertain significance (3). Last evaluated 2026-04-07.

Conditions:
H syndrome. Also called: FAISALABAD HISTIOCYTOSIS; HISTIOCYTOSIS AND LYMPHADENOPATHY WITH OR WITHOUT CUTANEOUS, CARDIAC, AND/OR ENDOCRINE FEATURES, JOINT CONTRACTURES, AND/OR DEAFNESS; HYPERPIGMENTATION, CUTANEOUS, WITH HYPERTRICHOSIS, HEPATOSPLENOMEGALY, HEART ANOMALIES, AND HYPOGONADISM WITH OR WITHOUT HEARING LOSS; PIGMENTED HYPERTRICHOSIS WITH INSULIN-DEPENDENT DIABETES MELLITUS; ROSAI-DORFMAN DISEASE, FAMILIAL; SINUS HISTIOCYTOSIS AND MASSIVE LYMPHADENOPATHY. Identifiers: Orphanet 168569, MedGen C1864445, MONDO:0011273, OMIM 602782.

Allele frequency attached by ClinVar (database versions not stated): ExAC 0.00007; gnomAD exomes 0.00011 and 0.00023; TOPMed 0.00011; gnomAD 0.00013 and 0.00014; 1000 Genomes Project 30x 0.00016; 1000 Genomes Project 0.00020; ESP Exome Variant Server 0.00023.
gnomAD v4.1: 370 of 1,614,098 alleles (0.023%); highest among the groups gnomAD compares: Non-Finnish European, 0.029%; no homozygotes.

Submissions (3):

Women's Health and Genetics/Laboratory Corporation of America, LabCorp
Classification: Uncertain significance. Last evaluated: 2026-04-07. Review status: criteria provided, single submitter. Criteria: LabCorp Variant Classification Summary - May 2015. Collection method: clinical testing. Allele origin: germline.
Comment: Variant summary: SLC29A3 c.637G>A (p.Ala213Thr) results in a non-conservative amino acid change in the encoded protein sequence. Algorithms developed to predict the effect of missense changes on protein structure and function all suggest that this variant is likely to be disruptive. The variant allele was found at a frequency of 0.00011 in 251426 control chromosomes. This frequency is not significantly higher than estimated for disease-causing variants in SLC29A3, allowing no conclusion about variant significance. To our knowledge, no occurrence of c.637G>A in individuals affected with SLC29A3-related conditions and no experimental evidence demonstrating its impact on protein function have been reported. ClinVar contains an entry for this variant (Variation ID: 1001325). Based on the evidence outlined above, the variant was classified as uncertain significance.

Blueprint Genetics
Classification: Uncertain significance. Last evaluated: 2024-09-12. Review status: criteria provided, single submitter. Criteria: ACMG Guidelines, 2015. Collection method: clinical testing. Allele origin: germline.

Labcorp Genetics (formerly Invitae), Labcorp
Classification: Uncertain significance for H syndrome. Last evaluated: 2024-01-19. Review status: criteria provided, single submitter. Criteria: Invitae Variant Classification Sherloc (09022015). Collection method: clinical testing. Allele origin: germline.
Comment: This sequence change replaces alanine, which is neutral and non-polar, with threonine, which is neutral and polar, at codon 213 of the SLC29A3 protein (p.Ala213Thr). This variant is present in population databases (rs142645681, gnomAD 0.02%). This variant has not been reported in the literature in individuals affected with SLC29A3-related conditions. ClinVar contains an entry for this variant (Variation ID: 1001325). Advanced modeling of protein sequence and biophysical properties (such as structural, functional, and spatial information, amino acid conservation, physicochemical variation, residue mobility, and thermodynamic stability) performed at Invitae indicates that this missense variant is not expected to disrupt SLC29A3 protein function with a negative predictive value of 80%. In summary, the available evidence is currently insufficient to determine the role of this variant in disease. Therefore, it has been classified as a Variant of Uncertain Significance.

NM_018344.6(SLC29A3):c.637G>A (p.Ala213Thr)

Gene: SLC29A3 (solute carrier family 29 member 3; plus strand). Cytogenetic location: 10q22.1.
Variant type: single nucleotide variant.
Coding change: c.637G>A on transcript NM_018344.6 (MANE Select); coding-DNA position 637, G replaced by A.
Protein change: p.Ala213Thr; replaces alanine 213 with threonine.
Molecular consequence: missense variant. On other transcripts: non-coding transcript variant (2).
Genome position (GRCh38, 1-based): chr10:71,356,107, G>A. VCF-style: chr10-71356107-G-A. GRCh37 (hg19) VCF-style: chr10-73115864-G-A.
Other names: c.637G>A, p.Ala213Thr (NM_001174098.2); c.403G>A, p.Ala135Thr (NM_001363518.2); short protein forms A135T, A213T.
Identifiers: ClinVar variation 1001325 (VCV001001325.7), dbSNP rs142645681, ClinGen allele CA5543007.
Genomic context (GRCh38, chr10:71,356,107, plus strand): 5'-CTCACCATCTCTGCGTGTCCTCTGTTCTCTGCAGGAGGAGCCATGGGCGGGACGGTCAGC[G>A]CCGTGGCCTCATTGGTGGACTTGGCTGCATCCAGTGATGTGAGGAACAGCGCCCTGGCCT-3'
Protein context (NP_060814.4, residues 203-223): SGGAMGGTVS[Ala213Thr]VASLVDLAAS